The following is an entry in ClinVar:

NM_001903.5(CTNNA1):c.1003G>A (p.Ala335Thr)

Gene: CTNNA1 (catenin alpha 1; plus strand). Cytogenetic location: 5q31.2.
Variant type: single nucleotide variant.
Coding change: c.1003G>A on transcript NM_001903.5 (MANE Select); coding-DNA position 1003, G replaced by A.
Protein change: p.Ala335Thr; replaces alanine 335 with threonine.
Molecular consequence: missense variant.
Genome position (GRCh38, 1-based): chr5:138,827,659, G>A. VCF-style: chr5-138827659-G-A. GRCh37 (hg19) VCF-style: chr5-138163348-G-A.
Other names: c.1003G>A, p.Ala335Thr (NM_001290307.3, NM_001323982.2, NM_001323983.1 and 3 more transcripts); c.694G>A, p.Ala232Thr (NM_001290309.3); c.634G>A, p.Ala212Thr (NM_001290310.3); short protein forms A335T, A232T, A212T.
Identifiers: ClinVar variation 1775748 (VCV001775748.5), dbSNP rs2149785930, ClinGen allele CA361131131.

ClinVar aggregate classification (germline): Uncertain significance. Review status: criteria provided, multiple submitters, no conflicts (2 of 4 stars). 2 submissions from 2 submitters: Uncertain significance (2). Last evaluated 2025-03-30.

Conditions:
Hereditary cancer-predisposing syndrome. Also called: Neoplastic Syndromes, Hereditary; Tumor predisposition; Hereditary Cancer Syndrome; Hereditary neoplastic syndrome. Identifiers: Orphanet 140162, MedGen C0027672, MeSH D009386, MONDO:0015356.

Submissions (2):

Labcorp Genetics (formerly Invitae), Labcorp
Classification: Uncertain significance. Last evaluated: 2025-03-30. Review status: criteria provided, single submitter. Criteria: Invitae Variant Classification Sherloc (09022015). Collection method: clinical testing. Allele origin: germline.
Comment: This sequence change replaces alanine, which is neutral and non-polar, with threonine, which is neutral and polar, at codon 335 of the CTNNA1 protein (p.Ala335Thr). This variant is not present in population databases (gnomAD no frequency). This variant has not been reported in the literature in individuals affected with CTNNA1-related conditions. ClinVar contains an entry for this variant (Variation ID: 1775748). Invitae Evidence Modeling of protein sequence and biophysical properties (such as structural, functional, and spatial information, amino acid conservation, physicochemical variation, residue mobility, and thermodynamic stability) indicates that this missense variant is not expected to disrupt CTNNA1 protein function with a negative predictive value of 80%. In summary, the available evidence is currently insufficient to determine the role of this variant in disease. Therefore, it has been classified as a Variant of Uncertain Significance.

Ambry Genetics
Classification: Uncertain significance for Hereditary cancer-predisposing syndrome. Last evaluated: 2024-04-22. Review status: criteria provided, single submitter. Criteria: Ambry Variant Classification Scheme 2023. Collection method: clinical testing. Allele origin: germline.
Comment: The p.A335T variant (also known as c.1003G>A), located in coding exon 6 of the CTNNA1 gene, results from a G to A substitution at nucleotide position 1003. The alanine at codon 335 is replaced by threonine, an amino acid with similar properties. This amino acid position is highly conserved in available vertebrate species. In addition, the in silico prediction for this alteration is inconclusive. Since supporting evidence is limited at this time, the clinical significance of this alteration remains unclear.